The following is an entry in ClinVar:

ClinVar aggregate classification (germline): Uncertain significance. Review status: criteria provided, multiple submitters, no conflicts (2 of 4 stars). 2 submissions from 2 submitters: Uncertain significance (2). Last evaluated 2025-09-10.

Conditions:
Inborn genetic diseases. Identifiers: MedGen C0950123, MeSH D030342.

Allele frequency attached by ClinVar (database versions not stated): gnomAD exomes below 0.00001; ExAC 0.00001.
gnomAD v4.1: 3 of 1,613,886 alleles (0.00019%); highest among the groups gnomAD compares: Non-Finnish European, 0.00025%; no homozygotes.

Submissions (2):

Ambry Genetics
Classification: Uncertain significance for Inborn genetic diseases. Last evaluated: 2025-09-10. Review status: criteria provided, single submitter. Criteria: Ambry Variant Classification Scheme 2023. Collection method: clinical testing. Allele origin: germline.

Labcorp Genetics (formerly Invitae), Labcorp
Classification: Uncertain significance. Last evaluated: 2023-10-22. Review status: criteria provided, single submitter. Criteria: Invitae Variant Classification Sherloc (09022015). Collection method: clinical testing. Allele origin: germline.
Comment: This sequence change replaces arginine, which is basic and polar, with glutamine, which is neutral and polar, at codon 153 of the PRPF8 protein (p.Arg153Gln). This variant is present in population databases (rs766679500, gnomAD 0.002%). This variant has not been reported in the literature in individuals affected with PRPF8-related conditions. Advanced modeling of protein sequence and biophysical properties (such as structural, functional, and spatial information, amino acid conservation, physicochemical variation, residue mobility, and thermodynamic stability) has been performed at Invitae for this missense variant, however the output from this modeling did not meet the statistical confidence thresholds required to predict the impact of this variant on PRPF8 protein function. In summary, the available evidence is currently insufficient to determine the role of this variant in disease. Therefore, it has been classified as a Variant of Uncertain Significance.

NM_006445.4(PRPF8):c.458G>A (p.Arg153Gln)

Gene: PRPF8 (pre-mRNA processing factor 8; minus strand). Cytogenetic location: 17p13.3.
Variant type: single nucleotide variant.
Coding change: c.458G>A on transcript NM_006445.4 (MANE Select); coding-DNA position 458, G replaced by A.
Protein change: p.Arg153Gln; replaces arginine 153 with glutamine.
Molecular consequence: missense variant.
Genome position (GRCh38, 1-based): chr17:1,682,015, C>T on the plus strand (G>A on the coding strand, the complement: PRPF8 is on the minus strand). VCF-style: chr17-1682015-C-T. GRCh37 (hg19) VCF-style: chr17-1585309-C-T.
Other names: c.458G>A (NM_006445.3); short protein forms R153Q.
Identifiers: ClinVar variation 2771032 (VCV002771032.4), dbSNP rs766679500, ClinGen allele CA8272605.